The following is an entry in ClinVar:

ClinVar aggregate classification (germline): Conflicting classifications of pathogenicity. Review status: criteria provided, conflicting classifications (1 of 4 stars). 5 submissions from 5 submitters: Uncertain significance (1); Likely benign (4). Last evaluated 2026-07-20.

Conditions:
AEBP1-related disorder. Also called: AEBP1-related condition.

Allele frequency attached by ClinVar (database versions not stated): gnomAD exomes 0.00002 and 0.00014; gnomAD 0.00016 and 0.00017; ESP Exome Variant Server 0.00023; TOPMed 0.00025; ExAC 0.00030; 1000 Genomes Project 30x 0.00047; 1000 Genomes Project 0.00060.
gnomAD v4.1: 113 of 1,599,284 alleles (0.0071%); highest among the groups gnomAD compares: East Asian, 0.082%; 1 homozygote.

Submissions (5):

PreventionGenetics, part of Exact Sciences
Classification: Likely benign for AEBP1-related condition. Last evaluated: 2026-07-20. Review status: criteria provided, single submitter. Criteria: ACMG Guidelines, 2015. Collection method: clinical testing. Allele origin: germline.
Comment: This variant is classified as likely benign based on ACMG/AMP sequence variant interpretation guidelines (Richards et al. 2015 PMID: 25741868, with internal and published modifications).

Labcorp Genetics (formerly Invitae), Labcorp
Classification: Likely benign. Last evaluated: 2026-01-18. Review status: criteria provided, single submitter. Criteria: Invitae Variant Classification Sherloc (09022015). Collection method: clinical testing. Allele origin: germline.

Mayo Clinic Laboratories, Mayo Clinic
Classification: Likely benign. Last evaluated: 2024-12-31. Review status: criteria provided, single submitter. Criteria: ACMG Guidelines, 2015. Collection method: clinical testing. Allele origin: germline. Observed: 1 variant allele.
Comment: BS1, BP4

Women's Health and Genetics/Laboratory Corporation of America, LabCorp
Classification: Uncertain significance. Last evaluated: 2024-11-19. Review status: criteria provided, single submitter. Criteria: LabCorp Variant Classification Summary - May 2015. Collection method: clinical testing. Allele origin: germline.
Comment: Variant summary: AEBP1 c.895C>T (p.Pro299Ser) results in a non-conservative amino acid change in the encoded protein sequence. Three of five in-silico tools predict a benign effect of the variant on protein function. The variant allele was found at a frequency of 7.1e-05 in 1599284 control chromosomes in the gnomAD database, including 1 homozygotes. This frequency is not significantly higher than estimated for a pathogenic variant in AEBP1 causing Ehlers-Danlos syndrome, classic-like, 2 (7.1e-05 vs 0.0011), allowing no conclusion about variant significance. To our knowledge, no occurrence of c.895C>T in individuals affected with Ehlers-Danlos syndrome, classic-like, 2 and no experimental evidence demonstrating its impact on protein function have been reported. ClinVar contains an entry for this variant (Variation ID: 716743). Based on the evidence outlined above, the variant was classified as uncertain significance.

Blueprint Genetics
Classification: Likely benign. Last evaluated: 2024-11-11. Review status: criteria provided, single submitter. Criteria: ACMG Guidelines, 2015. Collection method: clinical testing. Allele origin: germline.

NM_001129.5(AEBP1):c.895C>T (p.Pro299Ser)

Gene: AEBP1 (AE binding protein 1; plus strand). Cytogenetic location: 7p13.
Variant type: single nucleotide variant.
Coding change: c.895C>T on transcript NM_001129.5 (MANE Select); coding-DNA position 895, C replaced by T.
Protein change: p.Pro299Ser; replaces proline 299 with serine.
Molecular consequence: missense variant.
Genome position (GRCh38, 1-based): chr7:44,108,039, C>T. VCF-style: chr7-44108039-C-T. GRCh37 (hg19) VCF-style: chr7-44147638-C-T.
Other names: p.Pro299Ser; short protein forms P299S.
Identifiers: ClinVar variation 716743 (VCV000716743.13), dbSNP rs376019197, ClinGen allele CA4237670.